The following is an entry in ClinVar:

ClinVar aggregate classification (germline): Uncertain significance (1 of 4 stars; one submission).

Conditions:
Adams-Oliver syndrome 5 (AOS5). Identifiers: Orphanet 974, MedGen C4014970, MONDO:0014459, OMIM 616028.

Allele frequency attached by ClinVar (database versions not stated): gnomAD exomes below 0.00001.
gnomAD v4.1: 2 of 1,611,972 alleles (0.00012%); highest among the groups gnomAD compares: Non-Finnish European, 0.00017%; no homozygotes.

Submission:

Labcorp Genetics (formerly Invitae), Labcorp
Classification: Uncertain significance for Adams-Oliver syndrome 5. Last evaluated: 2023-06-16. Review status: criteria provided, single submitter. Criteria: Invitae Variant Classification Sherloc (09022015). Collection method: clinical testing. Allele origin: germline.
Comment: This variant is present in population databases (no rsID available, gnomAD 0.0009%). In summary, the available evidence is currently insufficient to determine the role of this variant in disease. Therefore, it has been classified as a Variant of Uncertain Significance. An algorithm developed to predict the effect of missense changes on protein structure and function (PolyPhen-2) suggests that this variant is likely to be disruptive. ClinVar contains an entry for this variant (Variation ID: 2161459). This variant has not been reported in the literature in individuals affected with NOTCH1-related conditions. This sequence change replaces phenylalanine, which is neutral and non-polar, with valine, which is neutral and non-polar, at codon 93 of the NOTCH1 protein (p.Phe93Val).

NM_017617.5(NOTCH1):c.277T>G (p.Phe93Val)

Gene: NOTCH1 (notch receptor 1; minus strand). Cytogenetic location: 9q34.3.
Variant type: single nucleotide variant.
Coding change: c.277T>G on transcript NM_017617.5 (MANE Select); coding-DNA position 277, T replaced by G.
Protein change: p.Phe93Val; replaces phenylalanine 93 with valine.
Molecular consequence: missense variant.
Genome position (GRCh38, 1-based): chr9:136,523,843, A>C on the plus strand (T>G on the coding strand, the complement: NOTCH1 is on the minus strand). VCF-style: chr9-136523843-A-C. GRCh37 (hg19) VCF-style: chr9-139418295-A-C.
Other names: short protein forms F93V.
Identifiers: ClinVar variation 2161459 (VCV002161459.4), dbSNP rs1404441316, ClinGen allele CA375572834.